The following is an entry in ClinVar:

NM_016327.3(UPB1):c.472C>T (p.His158Tyr)

Gene: UPB1 (beta-ureidopropionase 1; plus strand). Cytogenetic location: 22q11.23.
Variant type: single nucleotide variant.
Coding change: c.472C>T on transcript NM_016327.3 (MANE Select); coding-DNA position 472, C replaced by T.
Protein change: p.His158Tyr; replaces histidine 158 with tyrosine.
Molecular consequence: missense variant.
Genome position (GRCh38, 1-based): chr22:24,513,336, C>T. VCF-style: chr22-24513336-C-T. GRCh37 (hg19) VCF-style: chr22-24909304-C-T.
Other names: short protein forms H158Y.
Identifiers: ClinVar variation 2016147 (VCV002016147.4), dbSNP rs2147026012, ClinGen allele CA410965145.

ClinVar aggregate classification (germline): Uncertain significance (1 of 4 stars; one submission).

Submission:

Labcorp Genetics (formerly Invitae), Labcorp
Classification: Uncertain significance. Last evaluated: 2022-08-09. Review status: criteria provided, single submitter. Criteria: Invitae Variant Classification Sherloc (09022015). Collection method: clinical testing. Allele origin: germline.
Comment: In summary, the available evidence is currently insufficient to determine the role of this variant in disease. Therefore, it has been classified as a Variant of Uncertain Significance. Algorithms developed to predict the effect of missense changes on protein structure and function output the following: SIFT: "Tolerated"; PolyPhen-2: "Benign"; Align-GVGD: "Class C0". The tyrosine amino acid residue is found in multiple mammalian species, which suggests that this missense change does not adversely affect protein function. This variant has not been reported in the literature in individuals affected with UPB1-related conditions. This variant is not present in population databases (gnomAD no frequency). This sequence change replaces histidine, which is basic and polar, with tyrosine, which is neutral and polar, at codon 158 of the UPB1 protein (p.His158Tyr).